The following is an entry in ClinVar:

ClinVar aggregate classification (germline): Uncertain significance. Review status: criteria provided, multiple submitters, no conflicts (2 of 4 stars). 3 submissions from 3 submitters: Uncertain significance (3). Last evaluated 2026-04-17.

Conditions:
Inborn genetic diseases. Identifiers: MedGen C0950123, MeSH D030342.
Holoprosencephaly 9 (HPE9). Also called: PITUITARY ANOMALIES WITH HOLOPROSENCEPHALY-LIKE FEATURES; HOLOPROSENCEPHALY WITH MICROPHTHALMIA AND FIRST BRANCHIAL ARCH ANOMALIES. Identifiers: Orphanet 2162, MedGen C1835819, MONDO:0012563, OMIM 610829.
Postaxial polydactyly-anterior pituitary anomalies-facial dysmorphism syndrome. Also called: Culler-Jones syndrome. Identifiers: Orphanet 420584, MedGen C4014479, MONDO:0014369, OMIM 615849.

Allele frequency attached by ClinVar (database versions not stated): gnomAD exomes 0.00001; TOPMed 0.00001; gnomAD 0.00002; ExAC 0.00003; 1000 Genomes Project 0.00020; 1000 Genomes Project 30x 0.00031.
gnomAD v4.1: 24 of 1,609,842 alleles (0.0015%); highest among the groups gnomAD compares: Admixed American, 0.0067%; no homozygotes.

Submissions (3):

Women's Health and Genetics/Laboratory Corporation of America, LabCorp
Classification: Uncertain significance. Last evaluated: 2026-04-17. Review status: criteria provided, single submitter. Criteria: LabCorp Variant Classification Summary - May 2015. Collection method: clinical testing. Allele origin: germline.
Comment: Variant summary: GLI2 c.271G>A (p.Gly91Ser) results in a non-conservative amino acid change in the encoded protein sequence. Algorithms developed to predict the effect of missense changes on protein structure and function are either unavailable or do not agree on the potential impact of this missense change. The variant allele was found at a frequency of 2e-05 in 251006 control chromosomes. The available data on variant occurrences in the general population are insufficient to allow any conclusion about variant significance. To our knowledge, no occurrence of c.271G>A in individuals affected with GLI2-related conditions and no experimental evidence demonstrating its impact on protein function have been reported. ClinVar contains an entry for this variant (Variation ID: 2050196). Based on the evidence outlined above, the variant was classified as uncertain significance.

Ambry Genetics
Classification: Uncertain significance for Inborn genetic diseases. Last evaluated: 2025-10-07. Review status: criteria provided, single submitter. Criteria: Ambry Variant Classification Scheme 2023. Collection method: clinical testing. Allele origin: germline.

Labcorp Genetics (formerly Invitae), Labcorp
Classification: Uncertain significance for Postaxial polydactyly-anterior pituitary anomalies-facial dysmorphism syndrome; Holoprosencephaly 9. Last evaluated: 2022-06-28. Review status: criteria provided, single submitter. Criteria: Invitae Variant Classification Sherloc (09022015). Collection method: clinical testing. Allele origin: germline.
Comment: This sequence change replaces glycine, which is neutral and non-polar, with serine, which is neutral and polar, at codon 91 of the GLI2 protein (p.Gly91Ser). In summary, the available evidence is currently insufficient to determine the role of this variant in disease. Therefore, it has been classified as a Variant of Uncertain Significance. Algorithms developed to predict the effect of sequence changes on RNA splicing suggest that this variant may create or strengthen a splice site. Algorithms developed to predict the effect of missense changes on protein structure and function output the following: SIFT: "Deleterious"; PolyPhen-2: "Benign"; Align-GVGD: "Class C0". The serine amino acid residue is found in multiple mammalian species, which suggests that this missense change does not adversely affect protein function. This variant has not been reported in the literature in individuals affected with GLI2-related conditions. This variant is present in population databases (rs540240518, gnomAD 0.004%).

NM_001374353.1(GLI2):c.271G>A (p.Gly91Ser)

Gene: GLI2 (GLI family zinc finger 2; plus strand). Cytogenetic location: 2q14.2.
Variant type: single nucleotide variant.
Coding change: c.271G>A on transcript NM_001374353.1 (MANE Select); coding-DNA position 271, G replaced by A.
Protein change: p.Gly91Ser; replaces glycine 91 with serine.
Molecular consequence: missense variant. On other transcripts: 5 prime UTR variant (1).
Genome position (GRCh38, 1-based): chr2:120,951,259, G>A. VCF-style: chr2-120951259-G-A. GRCh37 (hg19) VCF-style: chr2-121708835-G-A.
Other names: c.271G>A, p.Gly91Ser (NM_001371271.1, NM_005270.5); c.-105G>A (NM_001374354.1); c.271G>A (NM_005270.4); short protein forms G91S.
Identifiers: ClinVar variation 2050196 (VCV002050196.6), dbSNP rs540240518, ClinGen allele CA1851490.